The following is an entry in ClinVar:

NM_001374353.1(GLI2):c.4678G>A (p.Glu1560Lys)

Gene: GLI2 (GLI family zinc finger 2; plus strand). Cytogenetic location: 2q14.2.
Variant type: single nucleotide variant.
Coding change: c.4678G>A on transcript NM_001374353.1 (MANE Select); coding-DNA position 4678, G replaced by A.
Protein change: p.Glu1560Lys; replaces glutamic acid 1560 with lysine.
Molecular consequence: missense variant.
Genome position (GRCh38, 1-based): chr2:120,990,643, G>A. VCF-style: chr2-120990643-G-A. GRCh37 (hg19) VCF-style: chr2-121748219-G-A.
Other names: c.4729G>A, p.Glu1577Lys (NM_001371271.1, NM_005270.5); c.4303G>A, p.Glu1435Lys (NM_001374354.1); short protein forms E1560K, E1435K, E1577K.
Identifiers: ClinVar variation 798233 (VCV000798233.56), dbSNP rs770936696, ClinGen allele CA1852689.

ClinVar aggregate classification (germline): Likely benign. Review status: criteria provided, multiple submitters, no conflicts (2 of 4 stars). 6 submissions from 6 submitters: Likely benign (5). 1 of the submissions does not count toward it. Last evaluated 2026-06-01.

Conditions:
Inborn genetic diseases. Identifiers: MedGen C0950123, MeSH D030342.
GLI2-related disorder. Also called: GLI2-related disorders; GLI2-related condition.
Holoprosencephaly 9 (HPE9). Also called: PITUITARY ANOMALIES WITH HOLOPROSENCEPHALY-LIKE FEATURES; HOLOPROSENCEPHALY WITH MICROPHTHALMIA AND FIRST BRANCHIAL ARCH ANOMALIES. Identifiers: Orphanet 2162, MedGen C1835819, MONDO:0012563, OMIM 610829.
Postaxial polydactyly-anterior pituitary anomalies-facial dysmorphism syndrome. Also called: Culler-Jones syndrome. Identifiers: Orphanet 420584, MedGen C4014479, MONDO:0014369, OMIM 615849.

Allele frequency attached by ClinVar (database versions not stated): ExAC 0.00018; gnomAD 0.00009 and 0.00013; TOPMed 0.00009.
gnomAD v4.1: 350 of 1,612,936 alleles (0.022%); highest among the groups gnomAD compares: East Asian, 0.46%; 1 homozygote.

Submissions (6):

CeGaT Center for Human Genetics Tuebingen
Classification: Likely benign. Last evaluated: 2026-06-01. Review status: criteria provided, single submitter. Criteria: CeGaT Center For Human Genetics Tuebingen Variant Classification Criteria Version 2. Collection method: clinical testing. Allele origin: germline. Affected: yes. Observed: 6 variant alleles.
Comment: GLI2: BS1

Labcorp Genetics (formerly Invitae), Labcorp
Classification: Likely benign for Postaxial polydactyly-anterior pituitary anomalies-facial dysmorphism syndrome; Holoprosencephaly 9. Last evaluated: 2025-08-04. Review status: criteria provided, single submitter. Criteria: Invitae Variant Classification Sherloc (09022015). Collection method: clinical testing. Allele origin: germline.

Blueprint Genetics
Classification: Likely benign. Last evaluated: 2024-10-31. Review status: criteria provided, single submitter. Criteria: ACMG Guidelines, 2015. Collection method: clinical testing. Allele origin: germline.

Ambry Genetics
Classification: Likely benign for Inborn genetic diseases. Last evaluated: 2022-01-28. Review status: criteria provided, single submitter. Criteria: Ambry Variant Classification Scheme 2023. Collection method: clinical testing. Allele origin: germline.

Illumina Laboratory Services, Illumina
Classification: Likely benign for Holoprosencephaly 9. Last evaluated: 2017-04-27. Review status: criteria provided, single submitter. Criteria: ICSL Variant Classification Criteria 13 December 2019. Collection method: clinical testing. Allele origin: germline.
Comment: This variant was observed as part of a predisposition screen in an ostensibly healthy population. A literature search was performed for the gene, cDNA change, and amino acid change (where applicable). No publications were found based on this search. Allele frequency data from public databases allowed determination this variant is unlikely to cause disease. Therefore, this variant is classified as likely benign.

PreventionGenetics, part of Exact Sciences
Classification: Likely benign for GLI2-related condition. Last evaluated: 2023-02-17. Review status: no assertion criteria provided. Collection method: clinical testing. Allele origin: germline. Not counted in ClinVar's aggregate classification.
Comment: This variant is classified as likely benign based on ACMG/AMP sequence variant interpretation guidelines (Richards et al. 2015 PMID: 25741868, with internal and published modifications).